The following is an entry in ClinVar:

ClinVar aggregate classification (germline): Uncertain significance (1 of 4 stars; one submission).

Allele frequency attached by ClinVar (database versions not stated): gnomAD exomes below 0.00001.
gnomAD v4.1: 1 of 1,614,148 alleles (0.000062%); highest among the groups gnomAD compares: East Asian, 0.0022%; no homozygotes.

Submission:

Ambry Genetics
Classification: Uncertain significance. Last evaluated: 2022-11-10. Review status: criteria provided, single submitter. Criteria: Ambry Variant Classification Scheme 2023. Collection method: clinical testing. Allele origin: germline.
Comment: The p.L101Q variant (also known as c.302T>A), located in coding exon 4 of the BUB1 gene, results from a T to A substitution at nucleotide position 302. The leucine at codon 101 is replaced by glutamine, an amino acid with dissimilar properties. This amino acid position is conserved. In addition, this alteration is predicted to be deleterious by in silico analysis. Since supporting evidence is limited at this time, the clinical significance of this alteration remains unclear.

NM_004336.5(BUB1):c.302T>A (p.Leu101Gln)

Gene: BUB1 (BUB1 mitotic checkpoint serine/threonine kinase; minus strand). Cytogenetic location: 2q13.
Variant type: single nucleotide variant.
Coding change: c.302T>A on transcript NM_004336.5 (MANE Select); coding-DNA position 302, T replaced by A.
Protein change: p.Leu101Gln; replaces leucine 101 with glutamine.
Molecular consequence: missense variant.
Genome position (GRCh38, 1-based): chr2:110,672,781, A>T on the plus strand (T>A on the coding strand, the complement: BUB1 is on the minus strand). VCF-style: chr2-110672781-A-T. GRCh37 (hg19) VCF-style: chr2-111430358-A-T.
Other names: c.242T>A, p.Leu81Gln (NM_001278616.2); c.302T>A, p.Leu101Gln (NM_001278617.2); short protein forms L101Q, L81Q.
Identifiers: ClinVar variation 2451223 (VCV002451223.2), dbSNP rs1235802891, ClinGen allele CA348220590.
Genomic context (GRCh38, chr2:110,672,781, plus strand): 5'-ACAGCACTGGCATGCTGCAGCTCTCCTTGGGCTTCCAGATGCCCCGCCCAGGCAATGTAC[A>T]GAGGGGATGACAGGGTTCCAATCCCATGGTTGTACAGAAACTCAAAAAATTGATGGAGGT-3'
Protein context (NP_004327.1, residues 91-111): NHGIGTLSSP[Leu101Gln]YIAWAGHLEA